The following is an entry in ClinVar:

NM_002471.4(MYH6):c.1753G>A (p.Gly585Ser)

Gene: MYH6 (myosin heavy chain 6; minus strand). Cytogenetic location: 14q11.2.
Variant type: single nucleotide variant.
Coding change: c.1753G>A on transcript NM_002471.4 (MANE Select); coding-DNA position 1753, G replaced by A.
Protein change: p.Gly585Ser; replaces glycine 585 with serine.
Molecular consequence: missense variant.
Genome position (GRCh38, 1-based): chr14:23,398,866, C>T on the plus strand (G>A on the coding strand, the complement: MYH6 is on the minus strand). VCF-style: chr14-23398866-C-T. GRCh37 (hg19) VCF-style: chr14-23868075-C-T.
Other names: short protein forms G585S.
Identifiers: ClinVar variation 36627 (VCV000036627.33), dbSNP rs150415679, ClinGen allele CA134251.

ClinVar aggregate classification (germline): Conflicting classifications of pathogenicity. Review status: criteria provided, conflicting classifications (1 of 4 stars). 15 submissions from 15 submitters: Uncertain significance (13); Likely benign (1). 1 of the submissions does not count toward it. Last evaluated 2026-07-27.

Conditions:
MYH6-related disorder. Also called: MYH6-related condition; MYH6-Related Disorders.
Cardiovascular phenotype. Identifiers: MedGen CN230736.
Dilated cardiomyopathy 1EE (CMD1EE). Identifiers: Orphanet 154, MedGen C2750466, MONDO:0013198, OMIM 613252.
Hypertrophic cardiomyopathy 14. Identifiers: MedGen C2750467, MONDO:0013197, OMIM 613251.
Sick sinus syndrome 3, susceptibility to (SSS3). Identifiers: Orphanet 166282, MedGen C3279791, MONDO:0013568, OMIM 614090.
Atrial septal defect 3 (ASD3). Identifiers: Orphanet 1478, MedGen C3279790, MONDO:0013567, OMIM 614089.
Hypertrophic cardiomyopathy 1 (CMH1). Also called: MYH7-Related Familial Hypertrophic Cardiomyopathy; Familial hypertrophic cardiomyopathy 1. Identifiers: MedGen C3495498, MONDO:0008647, OMIM 192600.
Cardiomyopathy (CMYO). Also called: Cardiomyopathies. Identifiers: Orphanet 167848, MedGen C0878544, MONDO:0004994, HP:0001638. Inheritance: Various modes of inheritance.

Allele frequency attached by ClinVar (database versions not stated): gnomAD exomes 0.00012 and 0.00015; gnomAD 0.00013 and 0.00014; TOPMed 0.00013; ExAC 0.00016; ESP Exome Variant Server 0.00023.
gnomAD v4.1: 202 of 1,614,014 alleles (0.013%); highest among the groups gnomAD compares: Middle Eastern, 0.082%; no homozygotes.

Submissions (15):

PreventionGenetics, part of Exact Sciences
Classification: Uncertain significance for MYH6-related condition. Last evaluated: 2026-07-27. Review status: criteria provided, single submitter. Criteria: ACMG Guidelines, 2015. Collection method: clinical testing. Allele origin: germline.
Comment: The MYH6 c.1753G>A variant is predicted to result in the amino acid substitution p.Gly585Ser. This variant has been reported in an individual with left ventricular outflow tract obstruction (Table S3, Jin et al. 2017. PubMed ID: 28991257) and in an individual with dilated cardiomyopathy (Table S1, Marschall et al. 2019. PubMed ID: 31737537). This variant is reported in 0.029% of alleles in individuals of South Asian descent in gnomAD and is interpreted as uncertain in ClinVar (Variation ID: 36627). At this time, the clinical significance of this variant is uncertain due to the absence of conclusive functional and genetic evidence.

Clinical Genomics Laboratory, Washington University in St. Louis
Classification: Uncertain significance for Dilated cardiomyopathy 1EE; Hypertrophic cardiomyopathy 14. Last evaluated: 2026-05-10. Review status: criteria provided, single submitter. Criteria: ACMG Guidelines, 2015. Collection method: clinical testing. Allele origin: germline.
Comment: The MYH6 c.1753G>A (p.Gly585Ser) variant has been reported in at least three unrelated patients with dilated cardiomyopathy, Shone's complex, or coarctation of the aorta (Jin SC et al., PMID: 28991257; Marschall C et al., PMID: 31737537; Zhu W et al., PMID: 35456442). This variant is only observed in 202/1,614,014 alleles in the general population (gnomAD v4.1.1), indicating it is not a common variant. Computational predictors indicate that the variant is damaging, evidence that correlates with impact to MYH6 function. This variant has been reported in the ClinVar database as a germline variant of uncertain significance by multiple submitters. Due to limited information, and based on ACMG/AMP guidelines for variant interpretation (Richards S et al., PMID: 25741868), the clinical significance of this variant is uncertain at this time.

Labcorp Genetics (formerly Invitae), Labcorp
Classification: Uncertain significance for Hypertrophic cardiomyopathy 14. Last evaluated: 2025-12-31. Review status: criteria provided, single submitter. Criteria: Invitae Variant Classification Sherloc (09022015). Collection method: clinical testing. Allele origin: germline.
Comment: This sequence change replaces glycine, which is neutral and non-polar, with serine, which is neutral and polar, at codon 585 of the MYH6 protein (p.Gly585Ser). This variant is present in population databases (rs150415679, gnomAD 0.03%). This missense change has been observed in individual(s) with clinical features of MYH6-related conditions (PMID: 28991257, 31737537, 35456442). ClinVar contains an entry for this variant (Variation ID: 36627). Invitae Evidence Modeling of protein sequence and biophysical properties (such as structural, functional, and spatial information, amino acid conservation, physicochemical variation, residue mobility, and thermodynamic stability) indicates that this missense variant is expected to disrupt MYH6 protein function with a positive predictive value of 80%. In summary, the available evidence is currently insufficient to determine the role of this variant in disease. Therefore, it has been classified as a Variant of Uncertain Significance.

Women's Health and Genetics/Laboratory Corporation of America, LabCorp
Classification: Uncertain significance. Last evaluated: 2025-10-29. Review status: criteria provided, single submitter. Criteria: LabCorp Variant Classification Summary - May 2015. Collection method: clinical testing. Allele origin: germline.
Comment: Variant summary: MYH6 c.1753G>A (p.Gly585Ser) results in a non-conservative amino acid change located in the Myosin head, motor domain (IPR001609) of the encoded protein sequence. Algorithms developed to predict the effect of missense changes on protein structure and function all suggest that this variant is likely to be disruptive. The variant allele was found at a frequency of 0.00015 in 251460 control chromosomes. The observed variant frequency exceeds the estimated maximal expected allele frequency for disease-causing variants in MYH6. c.1753G>A has been reported in the literature in individuals affected with congenital heart disease, dilated Cardiomyopathy, and Coarctation of the aorta (CoA) and bicuspid aortic valve (Jin_2017, Marschall_2019, Zhu_2022). These report(s) do not provide unequivocal conclusions about association of the variant with Cardiomyopathy. To our knowledge, no experimental evidence demonstrating an impact on protein function has been reported. The following publications have been ascertained in the context of this evaluation (PMID: 28991257, 31737537, 35456442). ClinVar contains an entry for this variant (Variation ID: 36627). Based on the evidence outlined above, the variant was classified as VUS-possibly benign.

ARUP Laboratories, Molecular Genetics and Genomics, ARUP Laboratories
Classification: Uncertain significance. Last evaluated: 2025-04-09. Review status: criteria provided, single submitter. Criteria: ARUP Molecular Germline Variant Investigation Process 2024. Collection method: clinical testing. Allele origin: germline.
Comment: The MYH6 c.1753G>A; p.Gly585Ser variant (rs150415679, ClinVar Variation ID: 36627) is reported in the literature in at least two individuals affected with congenital heart disease (Jin 2017, Zhu 2022). This variant is found in the general with an overall allele frequency of 0.01% (41/282,836 alleles) in the Genome Aggregation Database (v2.1.1). Computational analyses predict that this variant is deleterious (REVEL: 0.887).Due to limited information, the clinical significance of this variant is uncertain at this time. References: Jin SC et al. Contribution of rare inherited and de novo variants in 2,871 congenital heart disease probands. Nat Genet. 2017 Nov;49(11):1593-1601. PMID: 28991257. Zhu W et al. Rare and Common Variants Uncover the Role of the Atria in Coarctation of the Aorta. Genes (Basel). 2022 Apr 2;13(4):636. PMID: 35456442.

Ambry Genetics
Classification: Uncertain significance for Cardiovascular phenotype. Last evaluated: 2024-12-03. Review status: criteria provided, single submitter. Criteria: Ambry Variant Classification Scheme 2023. Collection method: clinical testing. Allele origin: germline.
Comment: The p.G585S variant (also known as c.1753G>A), located in coding exon 13 of the MYH6 gene, results from a G to A substitution at nucleotide position 1753. The glycine at codon 585 is replaced by serine, an amino acid with similar properties. This variant was reported in individual(s) with features consistent with congenital heart disease; in one case, a second MYH6 variant was also identified (Jin SC et al. Nat. Genet., 2017 Nov;49:1593-1601; Zhu W et al. Genes (Basel). 2022 Apr;13(4)). This amino acid position is highly conserved in available vertebrate species. In addition, this alteration is predicted to be deleterious by in silico analysis. Based on the available evidence, the clinical significance of this variant remains unclear.

GeneDx
Classification: Uncertain significance. Last evaluated: 2024-09-05. Review status: criteria provided, single submitter. Criteria: GeneDx Variant Classification Process June 2021. Collection method: clinical testing. Allele origin: germline. Affected: yes.
Comment: Identified in a patient with DCM and in a patient with coarctation of aorta and aortic arch hypoplasia/interrupted aortic arch (PMID: 35456442, 31737537); Reported in trans with another missense variant in the MYH6 gene in one proband diagnosed with Shone complex, a congenital heart disease involving multiple left-sided obstructive cardiac anomalies; however, additional variants were also identified in other genes including three heterozygous loss-of-function variants and a de novo synonymous variant (PMID: 28991257); In silico analysis supports that this missense variant has a deleterious effect on protein structure/function; This variant is associated with the following publications: (PMID: 34426522, 31737537, 35456442, 28991257)

Blueprint Genetics
Classification: Likely benign. Last evaluated: 2024-06-06. Review status: criteria provided, single submitter. Criteria: ACMG Guidelines, 2015. Collection method: clinical testing. Allele origin: germline.

Clinical Genetics Laboratory, Skane University Hospital Lund
Classification: Uncertain significance. Last evaluated: 2023-10-09. Review status: criteria provided, single submitter. Criteria: ACMG Guidelines, 2015. Collection method: clinical testing. Allele origin: germline. Affected: yes.

Fulgent Genetics
Classification: Uncertain significance for Hypertrophic cardiomyopathy 1; Hypertrophic cardiomyopathy 14; Dilated cardiomyopathy 1EE; Atrial septal defect 3; Sick sinus syndrome 3, susceptibility to. Last evaluated: 2022-04-04. Review status: criteria provided, single submitter. Criteria: ACMG Guidelines, 2015. Collection method: clinical testing. Allele origin: unknown.

CHEO Genetics Diagnostic Laboratory, Children's Hospital of Eastern Ontario
Classification: Uncertain significance for Cardiomyopathy. Last evaluated: 2021-07-05. Review status: criteria provided, single submitter. Criteria: ACMG Guidelines, 2015. Collection method: clinical testing. Allele origin: germline.

Molecular Diagnostic Laboratory for Inherited Cardiovascular Disease, Montreal Heart Institute
Classification: Uncertain significance for Hypertrophic cardiomyopathy 1. Last evaluated: 2019-10-21. Review status: criteria provided, single submitter. Criteria: ACMG Guidelines, 2015. Collection method: clinical testing. Allele origin: germline. Affected: yes.

Baylor Genetics
Classification: Uncertain significance for Atrial septal defect 3. Last evaluated: 2018-12-14. Review status: criteria provided, single submitter. Criteria: ACMG Guidelines, 2015. Collection method: clinical testing. Allele origin: maternal. Affected: yes.
Comment: This variant was determined to be of uncertain significance according to ACMG Guidelines, 2015 [PMID:25741868].

Laboratory for Molecular Medicine, Mass General Brigham Personalized Medicine
Classification: Uncertain significance. Last evaluated: 2014-03-11. Review status: criteria provided, single submitter. Criteria: LMM Criteria. Collection method: clinical testing. Allele origin: germline. Observed: 2 variant alleles.
Comment: This variant has also been identified in 3/8600 of European American chr omosomes by the NHLBI Exome Sequencing Project (dbSNP rs150415679). Computational prediction tools and conservation analyses suggest that the Gly585Ser variant may impact the protein, though this informati on is not predictive enough to determine pathogenicity. In summary, additional i nformation is needed to fully assess its clinical significance.

Clinical Genetics Laboratory, University Hospital Schleswig-Holstein
Classification: Uncertain significance for Dilated cardiomyopathy 1EE; Hypertrophic cardiomyopathy 14. Last evaluated: 2024-08-20. Review status: no assertion criteria provided. Collection method: clinical testing. Allele origin: germline. Affected: yes. Not counted in ClinVar's aggregate classification.

Literature cited by the submitters: PubMed 28991257 (cited by 3 submitters); PubMed 31737537 (cited by Labcorp Genetics (formerly Invitae), Labcorp and Women's Health and Genetics/Laboratory Corporation of America, LabCorp); PubMed 35456442 (cited by 3 submitters).